The following is an entry in ClinVar:

ClinVar aggregate classification (germline): Uncertain significance (1 of 4 stars; one submission).

Conditions:
Symmetrical dyschromatosis of extremities (DSH). Also called: Dyschromatosis symmetrica hereditaria; DYSCHROMATOSIS SYMMETRICA HEREDITARIA 1; RETICULATE ACROPIGMENTATION OF DOHI; SYMMETRIC DYSCHROMATOSIS OF THE EXTREMITIES. Identifiers: Orphanet 41, MedGen C0406775, MONDO:0007483, OMIM 127400.
Aicardi-Goutieres syndrome 6 (AGS6). Identifiers: Orphanet 51, MedGen C3539013, MONDO:0014007, OMIM 615010.

Submission:

Labcorp Genetics (formerly Invitae), Labcorp
Classification: Uncertain significance for Aicardi-Goutieres syndrome 6; Symmetrical dyschromatosis of extremities. Last evaluated: 2019-02-18. Review status: criteria provided, single submitter. Criteria: Invitae Variant Classification Sherloc (09022015). Collection method: clinical testing. Allele origin: germline.
Comment: In summary, the available evidence is currently insufficient to determine the role of this variant in disease. Therefore, it has been classified as a Variant of Uncertain Significance. Algorithms developed to predict the effect of missense changes on protein structure and function output the following: SIFT: "Tolerated"; PolyPhen-2: "Benign"; Align-GVGD: "Class C0". The isoleucine amino acid residue is found in multiple mammalian species, suggesting that this missense change does not adversely affect protein function. These predictions have not been confirmed by published functional studies and their clinical significance is uncertain. This variant has not been reported in the literature in individuals with ADAR-related conditions. This variant is not present in population databases (ExAC no frequency). This sequence change replaces methionine with isoleucine at codon 363 of the ADAR protein (p.Met363Ile). The methionine residue is weakly conserved and there is a small physicochemical difference between methionine and isoleucine.

NM_001111.5(ADAR):c.1089G>A (p.Met363Ile)

Gene: ADAR (adenosine deaminase RNA specific; minus strand). Cytogenetic location: 1q21.3.
Variant type: single nucleotide variant.
Coding change: c.1089G>A on transcript NM_001111.5 (MANE Select); coding-DNA position 1089, G replaced by A.
Protein change: p.Met363Ile; replaces methionine 363 with isoleucine.
Molecular consequence: missense variant.
Genome position (GRCh38, 1-based): chr1:154,601,553, C>T on the plus strand (G>A on the coding strand, the complement: ADAR is on the minus strand). VCF-style: chr1-154601553-C-T. GRCh37 (hg19) VCF-style: chr1-154574029-C-T.
Other names: c.204G>A, p.Met68Ile (NM_001025107.3, NM_001193495.2, NM_001365046.1 and 3 more transcripts); c.1116G>A, p.Met372Ile (NM_001365045.1); c.1089G>A, p.Met363Ile (NM_015840.4, NM_015841.4); short protein forms M372I, M68I, M363I.
Identifiers: ClinVar variation 862516 (VCV000862516.9), dbSNP rs1697874197, ClinGen allele CA342598711.